The following is an entry in ClinVar:

NM_007209.4(RPL35):c.277C>T (p.Arg93Cys)

Gene: RPL35 (ribosomal protein L35; minus strand). Cytogenetic location: 9q33.3.
Variant type: single nucleotide variant.
Coding change: c.277C>T on transcript NM_007209.4 (MANE Select); coding-DNA position 277, C replaced by T.
Protein change: p.Arg93Cys; replaces arginine 93 with cysteine.
Molecular consequence: missense variant.
Genome position (GRCh38, 1-based): chr9:124,858,013, G>A on the plus strand (C>T on the coding strand, the complement: RPL35 is on the minus strand). VCF-style: chr9-124858013-G-A. GRCh37 (hg19) VCF-style: chr9-127620292-G-A.
Other names: short protein forms R93C.
Identifiers: ClinVar variation 2869492 (VCV002869492.3), dbSNP rs1288533373, ClinGen allele CA374885072.

ClinVar aggregate classification (germline): Uncertain significance (1 of 4 stars; one submission).

Allele frequency attached by ClinVar (database versions not stated): TOPMed 0.00001; gnomAD 0.00003.

Submission:

Labcorp Genetics (formerly Invitae), Labcorp
Classification: Uncertain significance. Last evaluated: 2023-12-30. Review status: criteria provided, single submitter. Criteria: Invitae Variant Classification Sherloc (09022015). Collection method: clinical testing. Allele origin: germline.
Comment: This sequence change replaces arginine, which is basic and polar, with cysteine, which is neutral and slightly polar, at codon 93 of the RPL35 protein (p.Arg93Cys). This variant is present in population databases (no rsID available, gnomAD 0.01%). This variant has not been reported in the literature in individuals affected with RPL35-related conditions. An algorithm developed to predict the effect of missense changes on protein structure and function (PolyPhen-2) suggests that this variant is likely to be tolerated. In summary, the available evidence is currently insufficient to determine the role of this variant in disease. Therefore, it has been classified as a Variant of Uncertain Significance.